The following is an entry in ClinVar:

NM_032930.3(CFAP300):c.688A>G (p.Met230Val)

Gene: CFAP300 (cilia and flagella associated protein 300; plus strand). Cytogenetic location: 11q22.1.
Variant type: single nucleotide variant.
Coding change: c.688A>G on transcript NM_032930.3 (MANE Select); coding-DNA position 688, A replaced by G.
Protein change: p.Met230Val; replaces methionine 230 with valine.
Molecular consequence: missense variant.
Genome position (GRCh38, 1-based): chr11:102,083,083, A>G. VCF-style: chr11-102083083-A-G. GRCh37 (hg19) VCF-style: chr11-101953814-A-G.
Other names: c.616A>G, p.Met206Val (NM_001363505.2); short protein forms M230V, M206V.
Identifiers: ClinVar variation 1976908 (VCV001976908.4), dbSNP rs2496362734, ClinGen allele CA382490147.
Genomic context (GRCh38, chr11:102,083,083, plus strand): 5'-ATACATAAATAAAATAAAATAATAATAATTTAGGTTTGTCTTTTTCAGGATTCTGCTGGT[A>G]TGTGCTATCCTTCAGCAAAGAATCATGAACAGACATTTTCTTACTTTATTGTGGATCCTA-3'
Protein context (NP_116319.2, residues 220-240): FKVSAYDSAG[Met230Val]CYPSAKNHEQ

ClinVar aggregate classification (germline): Uncertain significance (1 of 4 stars; one submission).

Allele frequency attached by ClinVar (database versions not stated): gnomAD exomes below 0.00001.
gnomAD v4.1: 2 of 1,461,194 alleles (0.00014%); highest among the groups gnomAD compares: Admixed American, 0.0022%; no homozygotes.

Submission:

Labcorp Genetics (formerly Invitae), Labcorp
Classification: Uncertain significance. Last evaluated: 2024-02-24. Review status: criteria provided, single submitter. Criteria: Invitae Variant Classification Sherloc (09022015). Collection method: clinical testing. Allele origin: germline.
Comment: This sequence change replaces methionine, which is neutral and non-polar, with valine, which is neutral and non-polar, at codon 230 of the C11orf70 protein (p.Met230Val). This variant is not present in population databases (gnomAD no frequency). This variant has not been reported in the literature in individuals affected with C11orf70-related conditions. ClinVar contains an entry for this variant (Variation ID: 1976908). Advanced modeling of protein sequence and biophysical properties (such as structural, functional, and spatial information, amino acid conservation, physicochemical variation, residue mobility, and thermodynamic stability) performed at Invitae indicates that this missense variant is not expected to disrupt C11orf70 protein function with a negative predictive value of 80%. In summary, the available evidence is currently insufficient to determine the role of this variant in disease. Therefore, it has been classified as a Variant of Uncertain Significance.